The following is an entry in ClinVar:

NM_016734.3(PAX5):c.938C>T (p.Pro313Leu)

Gene: PAX5 (paired box 5; minus strand). Cytogenetic location: 9p13.2.
Variant type: single nucleotide variant.
Coding change: c.938C>T on transcript NM_016734.3 (MANE Select); coding-DNA position 938, C replaced by T.
Protein change: p.Pro313Leu; replaces proline 313 with leucine.
Molecular consequence: missense variant. On other transcripts: non-coding transcript variant (2), intron variant (6).
Genome position (GRCh38, 1-based): chr9:36,882,078, G>A on the plus strand (C>T on the coding strand, the complement: PAX5 is on the minus strand). VCF-style: chr9-36882078-G-A. GRCh37 (hg19) VCF-style: chr9-36882075-G-A.
Other names: c.938C>T, p.Pro313Leu (NM_001280548.2); c.809C>T, p.Pro270Leu (NM_001280553.2, NM_001280554.2); c.614C>T, p.Pro205Leu (NM_001280556.2); c.586+41277C>T (NM_001280551.2); c.713-35149C>T (NM_001280555.2); c.781-41442C>T (NM_001280550.2); c.781-35149C>T (NM_001280549.2); c.910+41277C>T (NM_001280552.2); and 1 more; short protein forms P205L, P270L, P313L.
Identifiers: ClinVar variation 3928266 (VCV003928266.1).

ClinVar aggregate classification (germline): Uncertain significance (1 of 4 stars; one submission).

Conditions:
Inborn genetic diseases. Identifiers: MedGen C0950123, MeSH D030342.

Submission:

Ambry Genetics
Classification: Uncertain significance for Inborn genetic diseases. Last evaluated: 2025-03-15. Review status: criteria provided, single submitter. Criteria: Ambry Variant Classification Scheme 2023. Collection method: clinical testing. Allele origin: germline.
Comment: The p.P313L variant (also known as c.938C>T), located in coding exon 8 of the PAX5 gene, results from a C to T substitution at nucleotide position 938. The proline at codon 313 is replaced by leucine, an amino acid with similar properties. This amino acid position is conserved. In addition, this alteration is predicted to be deleterious by in silico analysis. Based on the available evidence, the clinical significance of this variant remains unclear.